The following is an entry in ClinVar:

NM_213599.3(ANO5):c.2521-1del

Gene: ANO5 (anoctamin 5; plus strand). Cytogenetic location: 11p14.3.
Variant type: Deletion.
Coding change: c.2521-1del on transcript NM_213599.3 (MANE Select); the canonical splice acceptor site of the intron before coding-DNA position 2521, one base deleted (G; older notation c.2521-1delG).
Molecular consequence: splice acceptor variant.
Genome position (GRCh38, 1-based): chr11:22,279,543, G deleted. VCF-style (leftmost placement, unchanged base first): chr11-22279542-AG-A. GRCh37 (hg19) VCF-style: chr11-22301088-AG-A.
Other names: c.2521-1delG (NM_213599.2); c.2479-1del (NM_001410963.1); c.2518-1del (NM_001142649.2); c.2476-1del (NM_001410964.1).
Identifiers: ClinVar variation 283199 (VCV000283199.12), dbSNP rs752982710, ClinGen allele CA5923615.

ClinVar aggregate classification (germline): Conflicting classifications of pathogenicity. Review status: criteria provided, conflicting classifications (1 of 4 stars). 2 submissions from 2 submitters: Likely pathogenic (1); Uncertain significance (1). Last evaluated 2024-04-25.

Conditions:
Gnathodiaphyseal dysplasia (GDD). Also called: GNATHODIAPHYSEAL SCLEROSIS; OSTEOGENESIS IMPERFECTA WITH UNUSUAL SKELETAL LESIONS. Identifiers: Orphanet 53697, MedGen C1833736, MONDO:0008151, OMIM 166260.
Autosomal recessive limb-girdle muscular dystrophy type 2L (LGMDR12). Also called: Limb-girdle muscular dystrophy, type 2L; Limb-Girdle Muscular Dystrophy R12 Anoctamin-5-Related (LGMD-R12); MUSCULAR DYSTROPHY, LIMB-GIRDLE, AUTOSOMAL RECESSIVE 12. Identifiers: Orphanet 206549, MedGen C1969785, MONDO:0012652, OMIM 611307.

Allele frequency attached by ClinVar (database versions not stated): gnomAD exomes below 0.00001; TOPMed below 0.00001; ExAC 0.00001; gnomAD 0.00001.

Submissions (2):

Labcorp Genetics (formerly Invitae), Labcorp
Classification: Uncertain significance for Autosomal recessive limb-girdle muscular dystrophy type 2L; Gnathodiaphyseal dysplasia. Last evaluated: 2024-04-25. Review status: criteria provided, single submitter. Criteria: Invitae Variant Classification Sherloc (09022015). Collection method: clinical testing. Allele origin: germline.
Comment: This sequence change affects a splice site in intron 21 of the ANO5 gene. While this variant is not anticipated to result in nonsense mediated decay, it likely alters RNA splicing and results in a disrupted protein product. This variant is present in population databases (rs752982710, gnomAD 0.0009%). Disruption of this splice site has been observed in individuals with clinical features of Limb-Girdle Muscular Dystrophy and/or clinical features of limb-girdle muscular dystrophy (PMID: 30919934, 32528171; Invitae). ClinVar contains an entry for this variant (Variation ID: 283199). Variants that disrupt the consensus splice site are a relatively common cause of aberrant splicing (PMID: 17576681, 9536098). Algorithms developed to predict the effect of sequence changes on RNA splicing suggest that this variant may disrupt the consensus splice site. In summary, the available evidence is currently insufficient to determine the role of this variant in disease. Therefore, it has been classified as a Variant of Uncertain Significance.

Eurofins Ntd Llc (ga)
Classification: Likely pathogenic. Last evaluated: 2015-09-18. Review status: criteria provided, single submitter. Criteria: EGL Classification Definitions 2015. Collection method: clinical testing. Allele origin: germline. Observed: 1 variant allele, 1 heterozygote.

Literature cited by the submitters: PubMed 30919934 (cited by Labcorp Genetics (formerly Invitae), Labcorp); PubMed 32528171 (cited by Labcorp Genetics (formerly Invitae), Labcorp); PubMed 17576681 (cited by Labcorp Genetics (formerly Invitae), Labcorp); PubMed 9536098 (cited by Labcorp Genetics (formerly Invitae), Labcorp).